The following is an entry in ClinVar:

ClinVar aggregate classification (germline): Uncertain significance. Review status: criteria provided, multiple submitters, no conflicts (2 of 4 stars). 2 submissions from 2 submitters: Uncertain significance (2). Last evaluated 2022-10-13.

Conditions:
Hereditary spastic paraplegia 39 (SPG39). Also called: Spastic Paraplegia Type 39 (SPG39); SPASTIC PARAPLEGIA 39, AUTOSOMAL RECESSIVE. Identifiers: Orphanet 139480, MedGen C2677586, MONDO:0012787, OMIM 612020.

Allele frequency attached by ClinVar (database versions not stated): ExAC 0.00001; gnomAD 0.00001; gnomAD exomes 0.00001; TOPMed 0.00001.

Submissions (2):

Blueprint Genetics
Classification: Uncertain significance. Last evaluated: 2022-10-13. Review status: criteria provided, single submitter. Criteria: ACMG Guidelines, 2015. Collection method: clinical testing. Allele origin: germline.

Labcorp Genetics (formerly Invitae), Labcorp
Classification: Uncertain significance for Hereditary spastic paraplegia 39. Last evaluated: 2021-08-26. Review status: criteria provided, single submitter. Criteria: Invitae Variant Classification Sherloc (09022015). Collection method: clinical testing. Allele origin: germline.
Comment: This sequence change replaces alanine with threonine at codon 527 of the PNPLA6 protein (p.Ala527Thr). The alanine residue is moderately conserved and there is a small physicochemical difference between alanine and threonine. This variant is present in population databases (rs200855333, ExAC 0.002%). This variant has not been reported in the literature in individuals affected with PNPLA6-related conditions. Algorithms developed to predict the effect of missense changes on protein structure and function (SIFT, PolyPhen-2, Align-GVGD) all suggest that this variant is likely to be tolerated. In summary, the available evidence is currently insufficient to determine the role of this variant in disease. Therefore, it has been classified as a Variant of Uncertain Significance.

NM_001166114.2(PNPLA6):c.1696G>A (p.Ala566Thr)

Gene: PNPLA6 (patatin like domain 6, lysophospholipase; plus strand). Cytogenetic location: 19p13.2.
Variant type: single nucleotide variant.
Coding change: c.1696G>A on transcript NM_001166114.2 (MANE Select); coding-DNA position 1696, G replaced by A.
Protein change: p.Ala566Thr; replaces alanine 566 with threonine.
Molecular consequence: missense variant.
Genome position (GRCh38, 1-based): chr19:7,549,994, G>A. VCF-style: chr19-7549994-G-A. GRCh37 (hg19) VCF-style: chr19-7614880-G-A.
Other names: c.1723G>A, p.Ala575Thr (NM_001166111.2); c.1501G>A, p.Ala501Thr (NM_001166112.2); c.1579G>A, p.Ala527Thr (NM_001166113.1, NM_006702.5); short protein forms A501T, A527T, A566T, A575T.
Identifiers: ClinVar variation 1052051 (VCV001052051.7), dbSNP rs200855333, ClinGen allele CA9139906.